The following is an entry in ClinVar:

NM_000507.4(FBP1):c.960delinsGG (p.Ser321fs)

Gene: FBP1 (fructose-bisphosphatase 1; minus strand). Cytogenetic location: 9q22.32.
Variant type: Indel.
Coding change: c.960delinsGG on transcript NM_000507.4 (MANE Select); coding-DNA position 960, A replaced by GG.
Protein change: p.Ser321fs; shifts the reading frame from serine 321.
Molecular consequence: frameshift variant.
Genome position (GRCh38, 1-based): chr9:94,603,438, T replaced by CC on the plus strand (A replaced by GG on the coding strand, the reverse complement: FBP1 is on the minus strand). VCF-style: chr9-94603438-T-CC. GRCh37 (hg19) VCF-style: chr9-97365720-T-CC.
Other names: c.960delAinsGG (NM_000507.3); c.960delinsGG, p.Ser321fs (NM_001127628.2); short protein forms S321fs.
Identifiers: ClinVar variation 372364 (VCV000372364.8), dbSNP rs1057517733, ClinGen allele CA16042673.

ClinVar aggregate classification (germline): Pathogenic. Review status: criteria provided, multiple submitters, no conflicts (2 of 4 stars). 4 submissions from 4 submitters: Pathogenic (3). 1 of the submissions does not count toward it. Last evaluated 2026-01-23.

Conditions:
Fructose-biphosphatase deficiency (FBP1D). Also called: Fructose 1,6 Bisphosphatase Deficiency; Fructose-1,6-Bisphosphatase 1 Deficiency; Fructose-1,6-Diphosphatase Deficiency. Identifiers: Orphanet 348, MedGen C0016756, MONDO:0009251, OMIM 229700.
FBP1-related disorder. Also called: FBP1-related condition.

Submissions (4):

3billion
Classification: Pathogenic for Fructose-biphosphatase deficiency. Last evaluated: 2026-01-23. Review status: criteria provided, single submitter. Criteria: ACMG Guidelines, 2015. Collection method: clinical testing. Allele origin: germline. Affected: yes.
Comment: The variant is not observed in the gnomAD v4.1.0 dataset. Predicted Consequence/Location: Frameshift: predicted to result in a loss or disruption of normal protein function through protein truncation. The predicted truncated protein may be shortened by less than 10%. The variant has been reported to be in trans with a pathogenic variant as either compound heterozygous or homozygous in at least 2 similarly affected unrelated individuals (PMID: 26549536, 28420223, 7763253). The variant has been reported at least twice as pathogenic without evidence for the classification (ClinVar ID: VCV000372364 /PMID: 38523675). Therefore, this variant is classified as Pathogenic according to the recommendation of ACMG/AMP guideline.

Women's Health and Genetics/Laboratory Corporation of America, LabCorp
Classification: Pathogenic for Fructose-biphosphatase deficiency. Last evaluated: 2023-05-11. Review status: criteria provided, single submitter. Criteria: LabCorp Variant Classification Summary - May 2015. Collection method: clinical testing. Allele origin: germline.
Comment: Variant summary: FBP1 c.960delinsGG (p.Ser321ValfsX13) results in a premature termination codon, predicted to cause a truncation of the encoded protein, which is a commonly known mechanism for disease. Although the variant is not expected to result in nonsense-mediated decay, it is expected to disrupt the last 18 amino acids of the protein. This variant is the combination of the common pathogenic variant, c.960_961insG (p.Ser321ValfsX13), and a benign common polymorphism (p.Gly320Gly). p.Ser321ValfsX13 has been reported as a common pathogenic variant causing Fructose-1,6-bisphosphatase deficiency in both homozygous and compound heterozygous individuals in the literature (Li_2017, Lu_2017, Lee_2018, Gorce_2021, Liang_2023), and has been classified as pathogenic in ClinVar. The variant was absent in 282596 control chromosomes (gnomAD). To our knowledge, no occurrence of c.960delinsGG in individuals affected with Fructose-biphosphatase deficiency and no experimental evidence demonstrating its impact on protein function have been reported. The following publications have been ascertained in the context of this evaluation (PMID: 28420223, 37142076, 34687058, 34687058, 30927757). One clinical diagnostic laboratory has submitted clinical-significance assessments for this variant to ClinVar after 2014 and classified the variant as pathogenic. Based on the evidence outlined above, the variant was classified as pathogenic.

GeneDx
Classification: Pathogenic. Last evaluated: 2021-10-26. Review status: criteria provided, single submitter. Criteria: GeneDx Variant Classification Process June 2021. Collection method: clinical testing. Allele origin: germline. Affected: yes.
Comment: The most common FBP1 pathogenic variant in the Japanese population, sometimes denoted as InsG960/961 due to alternate nomenclature (Kikawa et al., 1997); Published functional studies demonstrate a damaging effect because the mutant protein had no FBP1 enzyme activity in an over-expression experiment in Escherichia coli (Kikawa et al., 1995); Frameshift variant in the C-terminus predicted to result in protein truncation, as the last 18 amino acids are lost and replaced with 12 incorrect amino acids; This variant is associated with the following publications: (PMID: 7763253, 26549536, 9382095, 28420223, 23585210, 27101822, 28776561)

PreventionGenetics, part of Exact Sciences
Classification: Pathogenic for FBP1-related condition. Last evaluated: 2023-10-26. Review status: no assertion criteria provided. Collection method: clinical testing. Allele origin: germline. Not counted in ClinVar's aggregate classification.
Comment: The FBP1 c.960delinsGG variant is predicted to result in a frameshift and premature protein termination (p.Ser321Valfs*13). This variant was previously reported in the homozygous state or heterozygous state with a second pathogenic FBP1 variant in patients with fructose-1,6-bisphophatase deficiency (e.g., described as InsG960/961 in Kikawa et al. 1997. PubMed ID: 9382095; Li et al. 2017. PubMed ID: 28420223). The c.960delinsGG variant is located in the last exon of FBP1 and although it is not expected to result in nonsense-mediated mRNA decay, it is predicted to disrupt the C-terminus of the FBP1 protein. The c.960_961insG (p.Ser321Valfs*13) variant is present on 29 of ~283,000 alleles in one large public population database. Other frameshift variants both up- and downstream of this variant have been reported in association with in FBP1 fructose-1,6-bisphophatase deficiency (Human Gene Mutation Database). Based on the collective evidence, this variant is interpreted as pathogenic.

Literature cited by the submitters: PubMed 26549536 (cited by 3billion); PubMed 38523675 (cited by 3billion); PubMed 7763253 (cited by 3billion); PubMed 28420223 (cited by 3billion and Women's Health and Genetics/Laboratory Corporation of America, LabCorp); PubMed 30927757 (cited by Women's Health and Genetics/Laboratory Corporation of America, LabCorp); PubMed 37142076 (cited by Women's Health and Genetics/Laboratory Corporation of America, LabCorp); PubMed 34687058 (cited by Women's Health and Genetics/Laboratory Corporation of America, LabCorp).